The following is an entry in ClinVar:

ClinVar aggregate classification (germline): Uncertain significance. Review status: criteria provided, multiple submitters, no conflicts (2 of 4 stars). 2 submissions from 2 submitters: Uncertain significance (2). Last evaluated 2026-08-28.

Conditions:
PKHD1-related disorder. Also called: PKHD1-related condition.
Polycystic kidney disease 4 (PKD4). Also called: Autosomal Recessive Polycystic Kidney Disease – PKHD1; POLYCYSTIC KIDNEY AND HEPATIC DISEASE 1; POLYCYSTIC KIDNEY DISEASE, INFANTILE, TYPE I; PKD3; POLYCYSTIC KIDNEY DISEASE 4 WITH OR WITHOUT POLYCYSTIC LIVER DISEASE. Identifiers: MedGen C4540575, MONDO:0033004, OMIM 263200.

Allele frequency attached by ClinVar (database versions not stated): gnomAD 0.00001; TOPMed 0.00001.
gnomAD v4.1: 4 of 1,604,124 alleles (0.00025%); highest among the groups gnomAD compares: African/African-American, 0.0013%; no homozygotes.

Submissions (2):

PreventionGenetics, part of Exact Sciences
Classification: Uncertain significance for PKHD1-related condition. Last evaluated: 2026-08-28. Review status: criteria provided, single submitter. Criteria: ACMG Guidelines, 2015. Collection method: clinical testing. Allele origin: germline.
Comment: The PKHD1 c.619G>T variant is predicted to result in the amino acid substitution p.Asp207Tyr. This variant was reported with a pathogenic frameshifting variant in an individual with autosomal recessive polycystic kidney disease (ARPKD) (Botero-Calderon et al. 2023. PubMed ID: 37635794). This variant has not been reported in a large population database (gnomAD), indicating this variant is rare. Although we suspect that this variant may be pathogenic, at this time, the clinical significance of this variant is uncertain due to the absence of conclusive functional and genetic evidence.

Victorian Clinical Genetics Services, Murdoch Childrens Research Institute
Classification: Uncertain significance for Polycystic kidney disease 4. Last evaluated: 2023-07-17. Review status: criteria provided, single submitter. Criteria: ACMG Guidelines, 2015. Collection method: clinical testing. Allele origin: germline. Inheritance: Autosomal recessive inheritance. Affected: yes.
Comment: Based on the classification scheme VCGS_Germline_v1.3.4, this variant is classified as VUS-3A. Following criteria are met: 0102 - Loss of function is a known mechanism of disease in this gene and is associated with polycystic kidney disease 4, with or without hepatic disease (MIM#263200). (I) 0106 - This gene is associated with autosomal recessive disease. (I) 0115 - Variants in this gene are known to have variable expressivity. Significant intrafamilial variability has been reported (GeneReviews). (I) 0200 - Variant is predicted to result in a missense amino acid change from aspartic acid to tyrosine. (I) 0251 - This variant is heterozygous. (I) 0304 - Variant is present in gnomAD <0.01 for a recessive condition (v3: 1 heterozygote, 0 homozygotes). (SP) 0502 - Missense variant with conflicting in silico predictions and uninformative conservation. (I) 0604 - Variant is not located in an established domain, motif, hotspot or informative constraint region. (I) 0705 - No comparable missense variants have previous evidence for pathogenicity. (I) 0807 - This variant has no previous evidence of pathogenicity. (I) 0905 - No published segregation evidence has been identified for this variant. (I) 1007 - No published functional evidence has been identified for this variant. (I) 1201 - Heterozygous variant detected in trans with a second pathogenic heterozygous variant (NM_138694.3(PKHD1):c.8935C>T; p.(Arg2979*)) in a recessive disease. (I) Legend: (SP) - Supporting pathogenic, (I) - Information, (SB) - Supporting benign

NM_138694.4(PKHD1):c.619G>T (p.Asp207Tyr)

Gene: PKHD1 (PKHD1 ciliary IPT domain containing fibrocystin/polyductin; minus strand). Cytogenetic location: 6p12.2.
Variant type: single nucleotide variant.
Coding change: c.619G>T on transcript NM_138694.4 (MANE Select); coding-DNA position 619, G replaced by T.
Protein change: p.Asp207Tyr; replaces aspartic acid 207 with tyrosine.
Molecular consequence: missense variant.
Genome position (GRCh38, 1-based): chr6:52,071,054, C>A on the plus strand (G>T on the coding strand, the complement: PKHD1 is on the minus strand). VCF-style: chr6-52071054-C-A. GRCh37 (hg19) VCF-style: chr6-51935852-C-A.
Other names: c.619G>T, p.Asp207Tyr (NM_170724.3); short protein forms D207Y.
Identifiers: ClinVar variation 1805283 (VCV001805283.3), dbSNP rs1329600374, ClinGen allele CA364433627.